The following is an entry in ClinVar:

ClinVar aggregate classification (germline): Pathogenic. Review status: reviewed by expert panel (3 of 4 stars). 2 submissions from 2 submitters: Pathogenic (1). 1 of the submissions does not count toward it. Last evaluated 2016-09-08.

Conditions:
Breast-ovarian cancer, familial, susceptibility to, 2 (BROVCA2). Also called: BRCA2 Hereditary Breast and Ovarian Cancer. Identifiers: Orphanet 145, MedGen C2675520, MONDO:0012933, OMIM 612555. Disease mechanism: loss of function.

Submissions (2):

Evidence-based Network for the Interpretation of Germline Mutant Alleles (ENIGMA)
Classification: Pathogenic for Breast-ovarian cancer, familial, susceptibility to, 2. Last evaluated: 2016-09-08. Review status: reviewed by expert panel. Criteria: ENIGMA BRCA1/2 Classification Criteria (2015). Collection method: curation. Allele origin: germline.
Comment: Variant allele predicted to encode a truncated non-functional protein.

Breast Cancer Information Core (BIC) (BRCA2)
Classification: Pathogenic for Breast-ovarian cancer, familial 2. Review status: no assertion criteria provided. Collection method: clinical testing. Allele origin: germline. Affected: yes. Observed: 1 variant allele. Not counted in ClinVar's aggregate classification.

NM_000059.4(BRCA2):c.7156dup (p.Ser2386fs)

Gene: BRCA2 (BRCA2 DNA repair associated; plus strand). Cytogenetic location: 13q13.1.
Variant type: Duplication.
Coding change: c.7156dup on transcript NM_000059.4 (MANE Select); coding-DNA position 7156, one base duplicated (T; older notation c.7156dupT).
Protein change: p.Ser2386fs; shifts the reading frame from serine 2386.
Molecular consequence: frameshift variant.
Genome position (GRCh38, 1-based): chr13:32,355,009, T duplicated; the last of 3 consecutive T bases (chr13:32,355,007-32,355,009); duplicating any one gives the same sequence. VCF-style (leftmost placement, unchanged base first): chr13-32355006-G-GT. GRCh37 (hg19) VCF-style: chr13-32929143-G-GT.
Other names: 7384insT; c.7156dupT (NM_000059.3); short protein forms S2386fs.
Identifiers: ClinVar variation 52275 (VCV000052275.4), dbSNP rs80359639, ClinGen allele CA024911.
Genomic context (GRCh38, chr13:32,355,006, plus strand): 5'-CATCTGACTTTGGAAAAATCTTCAAGCAATTTAGCAGTTTCAGGACATCCATTTTATCAA[G>GT]TTTCTGCTACAAGAAATGAAAAAATGAGACACTTGATTACTACAGGCAGACCAACCAAAG-3'